The following is an entry in ClinVar:

ClinVar aggregate classification (germline): Uncertain significance. Review status: criteria provided, single submitter (1 of 4 stars). 2 submissions from 2 submitters: Uncertain significance (1). 1 of the submissions does not count toward it. Last evaluated 2026-01-07.

Conditions:
GNPTG-mucolipidosis. Also called: Mucolipidosis type III gamma; ML III GAMMA; ML IIIC; MUCOLIPIDOSIS III, COMPLEMENTATION GROUP C; MUCOLIPIDOSIS III, IRANIAN VARIANT FORM; MUCOLIPIDOSIS III, VARIANT FORM. Identifiers: Orphanet 423470, Orphanet 577, MedGen C1854896, MONDO:0009652, OMIM 252605.

Submissions (2):

Women's Health and Genetics/Laboratory Corporation of America, LabCorp
Classification: Uncertain significance. Last evaluated: 2026-01-07. Review status: criteria provided, single submitter. Criteria: LabCorp Variant Classification Summary - May 2015. Collection method: clinical testing. Allele origin: germline.
Comment: Variant summary: GNPTG c.397A>G (p.Ser133Gly) results in a non-conservative amino acid change in the encoded protein sequence. Algorithms developed to predict the effect of missense changes on protein structure and function are either unavailable or do not agree on the potential impact of this missense change. The variant was absent in 246156 control chromosomes. The available data on variant occurrences in the general population are insufficient to allow any conclusion about variant significance. To our knowledge, no occurrence of c.397A>G in individuals affected with GNPTG-related conditions and no experimental evidence demonstrating its impact on protein function have been reported. No submitters have cited clinical-significance assessments for this variant to ClinVar. Based on the evidence outlined above, the variant was classified as uncertain significance.

Natera, Inc.
Classification: Uncertain significance for Mucolipidosis III gamma. Last evaluated: 2025-01-30. Review status: no assertion criteria provided. Collection method: clinical testing. Allele origin: germline. Not counted in ClinVar's aggregate classification.

NM_032520.5(GNPTG):c.397A>G (p.Ser133Gly)

Gene: GNPTG (N-acetylglucosamine-1-phosphate transferase subunit gamma; plus strand). Cytogenetic location: 16p13.3.
Variant type: single nucleotide variant.
Coding change: c.397A>G on transcript NM_032520.5 (MANE Select); coding-DNA position 397, A replaced by G.
Protein change: p.Ser133Gly; replaces serine 133 with glycine.
Molecular consequence: missense variant.
Genome position (GRCh38, 1-based): chr16:1,362,117, A>G. VCF-style: chr16-1362117-A-G. GRCh37 (hg19) VCF-style: chr16-1412118-A-G.
Other names: short protein forms S133G.
Identifiers: ClinVar variation 4068896 (VCV004068896.2).